The following is an entry in ClinVar:

ClinVar aggregate classification (germline): Conflicting classifications of pathogenicity. Review status: criteria provided, conflicting classifications (1 of 4 stars). 5 submissions from 5 submitters: Uncertain significance (4); Likely benign (1). Last evaluated 2026-01-17.

Conditions:
PDX1-related disorder. Also called: PDX1-related condition; PDX1-related disorders.
Maturity-onset diabetes of the young (MODY). Also called: Maturity onset diabetes mellitus in young. Identifiers: Orphanet 552, MedGen C0342276, MONDO:0018911, HP:0004904.

Submissions (5):

Labcorp Genetics (formerly Invitae), Labcorp
Classification: Uncertain significance. Last evaluated: 2026-01-17. Review status: criteria provided, single submitter. Criteria: Invitae Variant Classification Sherloc (09022015). Collection method: clinical testing. Allele origin: germline.
Comment: This variant, c.140_142dup, results in the insertion of 1 amino acid(s) of the PDX1 protein (p.Pro47dup), but otherwise preserves the integrity of the reading frame. This variant is present in population databases (rs755562714, gnomAD 0.02%). This variant has not been reported in the literature in individuals affected with PDX1-related conditions. ClinVar contains an entry for this variant (Variation ID: 2434641). Experimental studies and prediction algorithms are not available or were not evaluated, and the functional significance of this variant is currently unknown. In summary, the available evidence is currently insufficient to determine the role of this variant in disease. Therefore, it has been classified as a Variant of Uncertain Significance.

PreventionGenetics, part of Exact Sciences
Classification: Uncertain significance for PDX1-related condition. Last evaluated: 2025-11-03. Review status: criteria provided, single submitter. Criteria: ACMG Guidelines, 2015. Collection method: clinical testing. Allele origin: germline.
Comment: The PDX1 c.140_142dupCGC variant is predicted to result in an in-frame duplication (p.Pro47dup). To our knowledge, this variant has not been reported in the literature. This variant is reported in 0.016% of alleles in individuals of European (Non-Finnish) descent in gnomAD. At this time, the clinical significance of this variant is uncertain due to the absence of conclusive functional and genetic evidence.

GeneDx
Classification: Uncertain significance. Last evaluated: 2024-10-07. Review status: criteria provided, single submitter. Criteria: GeneDx Variant Classification Process June 2021. Collection method: clinical testing. Allele origin: germline. Affected: yes.
Comment: In-frame duplication of 1 amino acid in a repetitive region with no known function; Has not been previously published as pathogenic or benign to our knowledge

Ambry Genetics
Classification: Likely benign for Maturity-onset diabetes of the young. Last evaluated: 2023-06-04. Review status: criteria provided, single submitter. Criteria: Ambry Variant Classification Scheme 2023. Collection method: clinical testing. Allele origin: germline.

Revvity Omics, Revvity
Classification: Uncertain significance. Last evaluated: 2019-11-11. Review status: criteria provided, single submitter. Criteria: ACMG Guidelines, 2015. Collection method: clinical testing. Allele origin: germline.

NM_000209.4(PDX1):c.128CGC[6] (p.Pro47_His48insPro)

Gene: PDX1 (pancreatic and duodenal homeobox 1; plus strand). Cytogenetic location: 13q12.2.
Variant type: Microsatellite.
Coding change: c.128CGC[6] on transcript NM_000209.4 (MANE Select); six copies in a row of the 3-base unit CGC starting at c.128; the reference has five copies in a row; one copy, 3 bases duplicated; also written c.140_142dup.
Protein change: p.Pro47_His48insPro.
Molecular consequence: inframe insertion.
Genome position (GRCh38, 1-based): chr13:27,920,278-27,920,280, CGC duplicated; duplicating any 3 consecutive bases within chr13:27,920,265-27,920,280 gives the same sequence; the position shown is the placement nearest the transcript's 3' end. VCF-style (leftmost placement, unchanged base first): chr13-27920264-C-CCCG. GRCh37 (hg19) VCF-style: chr13-28494401-C-CCCG.
Other names: c.140_142dup (NM_000209.4, NM_000209.3); c.140_142dupCGC (NM_000209.3).
Identifiers: ClinVar variation 2434641 (VCV002434641.8), dbSNP rs752633548, ClinGen allele CA6927584.